The following is an entry in ClinVar:

ClinVar aggregate classification (germline): Conflicting classifications of pathogenicity. Review status: criteria provided, conflicting classifications (1 of 4 stars). 4 submissions from 4 submitters: Uncertain significance (3); Likely benign (1). Last evaluated 2025-05-27.

Conditions:
Inborn genetic diseases. Identifiers: MedGen C0950123, MeSH D030342.

Allele frequency attached by ClinVar (database versions not stated): ExAC 0.00001; ESP Exome Variant Server 0.00008.
gnomAD v4.1: 12 of 1,614,132 alleles (0.00074%); highest among the groups gnomAD compares: Admixed American, 0.0067%; no homozygotes.

Submissions (4):

Labcorp Genetics (formerly Invitae), Labcorp
Classification: Uncertain significance. Last evaluated: 2025-05-27. Review status: criteria provided, single submitter. Criteria: Invitae Variant Classification Sherloc (09022015). Collection method: clinical testing. Allele origin: germline.
Comment: This sequence change replaces serine, which is neutral and polar, with glycine, which is neutral and non-polar, at codon 836 of the KCNH1 protein (p.Ser836Gly). This variant is present in population databases (rs368605053, gnomAD 0.009%). This variant has not been reported in the literature in individuals affected with KCNH1-related conditions. ClinVar contains an entry for this variant (Variation ID: 2083733). Invitae Evidence Modeling of protein sequence and biophysical properties (such as structural, functional, and spatial information, amino acid conservation, physicochemical variation, residue mobility, and thermodynamic stability) indicates that this missense variant is not expected to disrupt KCNH1 protein function with a negative predictive value of 95%. In summary, the available evidence is currently insufficient to determine the role of this variant in disease. Therefore, it has been classified as a Variant of Uncertain Significance.

Women's Health and Genetics/Laboratory Corporation of America, LabCorp
Classification: Uncertain significance. Last evaluated: 2025-03-18. Review status: criteria provided, single submitter. Criteria: LabCorp Variant Classification Summary - May 2015. Collection method: clinical testing. Allele origin: germline.
Comment: Variant summary: KCNH1 c.2506A>G (p.Ser836Gly) results in a non-conservative amino acid change in the encoded protein sequence. Four of five in-silico tools predict a benign effect of the variant on protein function. The variant allele was found at a frequency of 1.6e-05 in 251202 control chromosomes (gnomAD). The available data on variant occurrences in the general population are insufficient to allow any conclusion about variant significance. To our knowledge, no occurrence of c.2506A>G in individuals affected with KCNH1-Related Disorders and no experimental evidence demonstrating its impact on protein function have been reported. ClinVar contains an entry for this variant (Variation ID: 2083733). Based on the evidence outlined above, the variant was classified as uncertain significance.

Ambry Genetics
Classification: Likely benign for Inborn genetic diseases. Last evaluated: 2025-02-18. Review status: criteria provided, single submitter. Criteria: Ambry Variant Classification Scheme 2023. Collection method: clinical testing. Allele origin: germline.

Revvity Omics, Revvity
Classification: Uncertain significance. Last evaluated: 2025-01-24. Review status: criteria provided, single submitter. Criteria: ACMG Guidelines, 2015. Collection method: clinical testing. Allele origin: germline.

NM_172362.3(KCNH1):c.2506A>G (p.Ser836Gly)

Gene: KCNH1 (potassium voltage-gated channel subfamily H member 1; minus strand). Cytogenetic location: 1q32.2.
Variant type: single nucleotide variant.
Coding change: c.2506A>G on transcript NM_172362.3 (MANE Select); coding-DNA position 2506, A replaced by G.
Protein change: p.Ser836Gly; replaces serine 836 with glycine.
Molecular consequence: missense variant.
Genome position (GRCh38, 1-based): chr1:210,683,745, T>C on the plus strand (A>G on the coding strand, the complement: KCNH1 is on the minus strand). VCF-style: chr1-210683745-T-C. GRCh37 (hg19) VCF-style: chr1-210857087-T-C.
Other names: c.2506A>G (NM_172362.2); c.2425A>G, p.Ser809Gly (NM_002238.4); short protein forms S809G, S836G.
Identifiers: ClinVar variation 2083733 (VCV002083733.7), dbSNP rs368605053, ClinGen allele CA1379642.
Genomic context (GRCh38, chr1:210,683,745, plus strand): 5'-CCTTGGACACCTTGTTCCAGTCCTCACTCTTCCCGCAAGCATCTTTGAAGCGGGCCCAGC[T>C]TTTGCGCTTGGCACAATCGCCCCCGCCCCCCTTGGGGCCCAGGCACTCGGACCCTGGCGC-3'
Protein context (NP_758872.1, residues 826-846): GGGGDCAKRK[Ser836Gly]WARFKDACGK